The following is an entry in ClinVar:

ClinVar aggregate classification (germline): Benign/Likely benign. Review status: criteria provided, multiple submitters, no conflicts (2 of 4 stars). 9 submissions from 9 submitters: Benign (1); Likely benign (5). 3 of the submissions do not count toward it. Last evaluated 2026-01-29.

Conditions:
Polyglandular autoimmune syndrome, type 1 (APS1). Also called: Autoimmune polyendocrinopathy syndrome , type I, with or without reversible metaphyseal dysplasia; AUTOIMMUNE POLYENDOCRINE SYNDROME, TYPE I, WITH OR WITHOUT REVERSIBLE METAPHYSEAL DYSPLASIA; HYPOADRENOCORTICISM WITH HYPOPARATHYROIDISM AND SUPERFICIAL MONILIASIS; PGA I; APS I; Whitaker syndrome. Identifiers: Orphanet 3453, MedGen C0085859, MONDO:0009411, OMIM 240300.

Allele frequency attached by ClinVar (database versions not stated): 1000 Genomes Project 30x 0.00016; gnomAD 0.00054; TOPMed 0.00097; ESP Exome Variant Server 0.00108.
gnomAD v4.1: 2,460 of 1,542,820 alleles (0.16%); highest among the groups gnomAD compares: Non-Finnish European, 0.2%; 2 homozygotes.

Submissions (9):

Labcorp Genetics (formerly Invitae), Labcorp
Classification: Benign for Polyglandular autoimmune syndrome, type 1. Last evaluated: 2026-01-29. Review status: criteria provided, single submitter. Criteria: Invitae Variant Classification Sherloc (09022015). Collection method: clinical testing. Allele origin: germline.

CeGaT Center for Human Genetics Tuebingen
Classification: Likely benign. Last evaluated: 2025-07-01. Review status: criteria provided, single submitter. Criteria: CeGaT Center For Human Genetics Tuebingen Variant Classification Criteria Version 2. Collection method: clinical testing. Allele origin: germline. Affected: yes. Observed: 4 variant alleles.
Comment: AIRE: BP4, BP7

Women's Health and Genetics/Laboratory Corporation of America, LabCorp
Classification: Likely benign. Last evaluated: 2024-12-06. Review status: criteria provided, single submitter. Criteria: LabCorp Variant Classification Summary - May 2015. Collection method: clinical testing. Allele origin: germline.

Blueprint Genetics
Classification: Likely benign. Last evaluated: 2024-11-21. Review status: criteria provided, single submitter. Criteria: ACMG Guidelines, 2015. Collection method: clinical testing. Allele origin: germline.

GeneDx
Classification: Likely benign. Last evaluated: 2019-06-07. Review status: criteria provided, single submitter. Criteria: GeneDx Variant Classification Process June 2021. Collection method: clinical testing. Allele origin: germline. Affected: yes.
Comment: This variant is associated with the following publications: (PMID: 18200029)

PreventionGenetics, part of Exact Sciences
Classification: Likely benign. Review status: criteria provided, single submitter. Criteria: ACMG Guidelines, 2015. Collection method: clinical testing. Allele origin: germline.

Clinical Genetics DNA and cytogenetics Diagnostics Lab, Erasmus MC, Erasmus Medical Center
Classification: Likely benign. Review status: no assertion criteria provided. Collection method: clinical testing. Allele origin: germline. Affected: yes. Study: VKGL Data-share Consensus. Not counted in ClinVar's aggregate classification.

Genome Diagnostics Laboratory, University Medical Center Utrecht
Classification: Likely benign. Review status: no assertion criteria provided. Collection method: clinical testing. Allele origin: germline. Affected: yes. Study: VKGL Data-share Consensus. Not counted in ClinVar's aggregate classification.

Joint Genome Diagnostic Labs from Nijmegen and Maastricht, Radboudumc and MUMC+
Classification: Likely benign. Review status: no assertion criteria provided. Collection method: clinical testing. Allele origin: germline. Affected: yes. Study: VKGL Data-share Consensus. Not counted in ClinVar's aggregate classification.

Literature cited by the submitters: PubMed 18200029 (cited by Women's Health and Genetics/Laboratory Corporation of America, LabCorp).

NM_000383.4(AIRE):c.1476C>T (p.Pro492=)

Gene: AIRE (autoimmune regulator; plus strand). Cytogenetic location: 21q22.3.
Variant type: single nucleotide variant.
Coding change: c.1476C>T on transcript NM_000383.4 (MANE Select); coding-DNA position 1476, C replaced by T.
Protein change: p.Pro492=; no amino-acid change (proline 492 retained).
Molecular consequence: synonymous variant.
Genome position (GRCh38, 1-based): chr21:44,294,476, C>T. VCF-style: chr21-44294476-C-T. GRCh37 (hg19) VCF-style: chr21-45714359-C-T.
Identifiers: ClinVar variation 255971 (VCV000255971.44), dbSNP rs72650679, ClinGen allele CA10052143.
Genomic context (GRCh38, chr21:44,294,476, plus strand): 5'-CAGATCCTGCTCAGGAGACGTGACCCCAGCCCCTGTGGAGGGGGTGCTGGCCCCCAGCCC[C>T]GCCCGCCTGGCCCCTGGGCCTGCCAAGGTCAGTGCCGCAGGGGCCCTCCATGCATGCCGG-3'
Protein context (NP_000374.1, residues 482-502): APVEGVLAPS[Pro492=]ARLAPGPAKD